The following is an entry in ClinVar:

ClinVar aggregate classification (germline): Conflicting classifications of pathogenicity. Review status: criteria provided, conflicting classifications (1 of 4 stars). 5 submissions from 5 submitters: Uncertain significance (1); Benign (1); Likely benign (3). Last evaluated 2026-01-20.

Conditions:
Mitochondrial DNA depletion syndrome 1. Also called: Mitochondrial neurogastrointestinal encephalomyopathy syndrome; POLIP SYNDROME; POLYNEUROPATHY, OPHTHALMOPLEGIA, LEUKOENCEPHALOPATHY, AND INTESTINAL PSEUDOOBSTRUCTION; Mitochondrial DNA depletion syndrome 1 (MNGIE type); Mitochondrial Neurogastrointestinal Encephalopathy Disease; MITOCHONDRIAL NEUROGASTROINTESTINAL ENCEPHALOPATHY SYNDROME, TYMP-RELATED. Identifiers: Orphanet 298, MedGen C4551995, MONDO:0011283, OMIM 603041.

Allele frequency attached by ClinVar (database versions not stated): gnomAD 0.00006; TOPMed 0.00034; ESP Exome Variant Server 0.00038; ExAC 0.00046; gnomAD exomes 0.00060.

Submissions (5):

Labcorp Genetics (formerly Invitae), Labcorp
Classification: Likely benign. Last evaluated: 2026-01-20. Review status: criteria provided, single submitter. Criteria: Invitae Variant Classification Sherloc (09022015). Collection method: clinical testing. Allele origin: germline.

Mayo Clinic Laboratories, Mayo Clinic
Classification: Likely benign. Last evaluated: 2024-11-05. Review status: criteria provided, single submitter. Criteria: ACMG Guidelines, 2015. Collection method: clinical testing. Allele origin: germline. Observed: 3 variant alleles.
Comment: BS1, BP4, BP7

Blueprint Genetics
Classification: Likely benign. Last evaluated: 2024-09-24. Review status: criteria provided, single submitter. Criteria: ACMG Guidelines, 2015. Collection method: clinical testing. Allele origin: germline.

Illumina Laboratory Services, Illumina
Classification: Uncertain significance for Mitochondrial DNA depletion syndrome 1. Last evaluated: 2018-01-13. Review status: criteria provided, single submitter. Criteria: ICSL Variant Classification Criteria 13 December 2019. Collection method: clinical testing. Allele origin: germline.

GeneDx
Classification: Benign. Last evaluated: 2014-08-12. Review status: criteria provided, single submitter. Criteria: GeneDx Variant Classification (06012015). Collection method: clinical testing. Allele origin: germline. Affected: yes.
Comment: This variant is considered likely benign or benign based on one or more of the following criteria: it is a conservative change, it occurs at a poorly conserved position in the protein, it is predicted to be benign by multiple in silico algorithms, and/or has population frequency not consistent with disease.

NM_001953.5(TYMP):c.646+8G>A

Gene: TYMP (thymidine phosphorylase; minus strand). Cytogenetic location: 22q13.33.
Variant type: single nucleotide variant.
Coding change: c.646+8G>A on transcript NM_001953.5 (MANE Select); 8 bases into the intron after coding-DNA position 646, G replaced by A.
Molecular consequence: intron variant.
Genome position (GRCh38, 1-based): chr22:50,527,580, C>T on the plus strand (G>A on the coding strand, the complement: TYMP is on the minus strand). VCF-style: chr22-50527580-C-T. GRCh37 (hg19) VCF-style: chr22-50966009-C-T.
Other names: p.?; c.646+8G>A (LRG_727t2, LRG_727t1, NM_001257989.1 and 3 more transcripts).
Identifiers: ClinVar variation 215320 (VCV000215320.17), dbSNP rs200818286, ClinGen allele CA322582.